The following is an entry in ClinVar:

ClinVar aggregate classification (germline): Uncertain significance. Review status: criteria provided, multiple submitters, no conflicts (2 of 4 stars). 3 submissions from 3 submitters: Uncertain significance (3). Last evaluated 2023-11-28.

Conditions:
Mitochondrial complex II deficiency, nuclear type 1. Also called: SUCCINATE CoQ REDUCTASE DEFICIENCY. Identifiers: Orphanet 3208, MedGen C5700310, MONDO:0100294, OMIM 252011.
Pheochromocytoma/paraganglioma syndrome 5. Also called: Paragangliomas 5; SDHA-Related Hereditary Paraganglioma-Pheochromocytoma Syndrome. Identifiers: Orphanet 29072, MedGen C3279992, MONDO:0013602, OMIM 614165.
Hereditary cancer-predisposing syndrome. Also called: Tumor predisposition; Hereditary Cancer Syndrome; Hereditary neoplastic syndrome; Neoplastic Syndromes, Hereditary. Identifiers: Orphanet 140162, MedGen C0027672, MeSH D009386, MONDO:0015356.

Submissions (3):

Labcorp Genetics (formerly Invitae), Labcorp
Classification: Uncertain significance for Pheochromocytoma/paraganglioma syndrome 5; Mitochondrial complex II deficiency, nuclear type 1. Last evaluated: 2023-11-28. Review status: criteria provided, single submitter. Criteria: Invitae Variant Classification Sherloc (09022015). Collection method: clinical testing. Allele origin: germline.
Comment: This sequence change falls in intron 14 of the SDHA gene. It does not directly change the encoded amino acid sequence of the SDHA protein. It affects a nucleotide within the consensus splice site. This variant is not present in population databases (gnomAD no frequency). This variant has not been reported in the literature in individuals affected with SDHA-related conditions. ClinVar contains an entry for this variant (Variation ID: 1782453). Variants that disrupt the consensus splice site are a relatively common cause of aberrant splicing (PMID: 17576681, 9536098). Algorithms developed to predict the effect of sequence changes on RNA splicing suggest that this variant may disrupt the consensus splice site. In summary, the available evidence is currently insufficient to determine the role of this variant in disease. Therefore, it has been classified as a Variant of Uncertain Significance.

Quest Diagnostics Nichols Institute San Juan Capistrano
Classification: Uncertain significance. Last evaluated: 2022-09-29. Review status: criteria provided, single submitter. Criteria: Quest Diagnostics criteria. Collection method: clinical testing. Allele origin: unknown.
Comment: This variant has not been reported in the published literature. It also has not been reported in large, multi-ethnic general populations. Analysis of this variant using software algorithms for the prediction of the effect of nucleotide changes on splicing yielded predictions that this variant may affect proper SDHA mRNA splicing . Based on the available information, we are unable to determine the clinical significance of this variant.

Ambry Genetics
Classification: Uncertain significance for Hereditary cancer-predisposing syndrome. Last evaluated: 2020-02-10. Review status: criteria provided, single submitter. Criteria: Ambry Variant Classification Scheme 2023. Collection method: clinical testing. Allele origin: germline.
Comment: The c.1909-3A>G intronic variant results from an A to G substitution 3 nucleotides upstream from coding exon 15 in the SDHA gene. This nucleotide position is not well conserved in available vertebrate species. Using the BDGP and ESEfinder splice site prediction tools, this alteration is predicted to weaken the efficiency of the native splice acceptor site; however, direct evidence is unavailable. Since supporting evidence is limited at this time, the clinical significance of this alteration remains unclear.

Literature cited by the submitters: PubMed 17576681 (cited by Labcorp Genetics (formerly Invitae), Labcorp); PubMed 9536098 (cited by Labcorp Genetics (formerly Invitae), Labcorp).

NM_004168.4(SDHA):c.1909-3A>G

Gene: SDHA (succinate dehydrogenase complex flavoprotein subunit A; plus strand). Cytogenetic location: 5p15.33.
Variant type: single nucleotide variant.
Coding change: c.1909-3A>G on transcript NM_004168.4 (MANE Select); 3 bases into the intron before coding-DNA position 1909, A replaced by G.
Molecular consequence: intron variant.
Genome position (GRCh38, 1-based): chr5:256,331, A>G. VCF-style: chr5-256331-A-G. GRCh37 (hg19) VCF-style: chr5-256446-A-G.
Other names: c.1909-3A>G (NM_004168.3); c.1666-3A>G (NM_001330758.2); c.1765-3A>G (NM_001294332.2).
Identifiers: ClinVar variation 1782453 (VCV001782453.8), dbSNP rs2126645704, ClinGen allele CA2580073140.